The following is an entry in ClinVar:

NM_000430.4(PAFAH1B1):c.761A>G (p.Asn254Ser)

Gene: PAFAH1B1 (platelet activating factor acetylhydrolase 1b regulatory subunit 1; plus strand). Cytogenetic location: 17p13.3.
Variant type: single nucleotide variant.
Coding change: c.761A>G on transcript NM_000430.4 (MANE Select); coding-DNA position 761, A replaced by G.
Protein change: p.Asn254Ser; replaces asparagine 254 with serine.
Molecular consequence: missense variant.
Genome position (GRCh38, 1-based): chr17:2,674,149, A>G. VCF-style: chr17-2674149-A-G. GRCh37 (hg19) VCF-style: chr17-2577443-A-G.
Other names: c.761A>G (NM_000430.3); short protein forms N254S.
Identifiers: ClinVar variation 3722869 (VCV003722869.3).
Genomic context (GRCh38, chr17:2,674,149, plus strand): 5'-GAGAATGGGTACGTATGGTACGGCCAAATCAAGATGGCACTCTGATAGCCAGCTGTTCCA[A>G]TGACCAGACTGTGCGTGTATGGGTCGTAGCAACAAAGGAATGCAAGGCTGAGCTCCGAGA-3'
Protein context (NP_000421.1, residues 244-264): QDGTLIASCS[Asn254Ser]DQTVRVWVVA

ClinVar aggregate classification (germline): Uncertain significance. Review status: criteria provided, multiple submitters, no conflicts (2 of 4 stars). 2 submissions from 2 submitters: Uncertain significance (2). Last evaluated 2025-12-08.

Conditions:
Inborn genetic diseases. Identifiers: MedGen C0950123, MeSH D030342.

Submissions (2):

Ambry Genetics
Classification: Uncertain significance for Inborn genetic diseases. Last evaluated: 2025-12-08. Review status: criteria provided, single submitter. Criteria: Ambry Variant Classification Scheme 2023. Collection method: clinical testing. Allele origin: germline.

Labcorp Genetics (formerly Invitae), Labcorp
Classification: Uncertain significance. Last evaluated: 2024-10-13. Review status: criteria provided, single submitter. Criteria: Invitae Variant Classification Sherloc (09022015). Collection method: clinical testing. Allele origin: germline.
Comment: This sequence change replaces asparagine, which is neutral and polar, with serine, which is neutral and polar, at codon 254 of the PAFAH1B1 protein (p.Asn254Ser). This variant is not present in population databases (gnomAD no frequency). This variant has not been reported in the literature in individuals affected with PAFAH1B1-related conditions. An algorithm developed to predict the effect of missense changes on protein structure and function (PolyPhen-2) suggests that this variant is likely to be tolerated. In summary, the available evidence is currently insufficient to determine the role of this variant in disease. Therefore, it has been classified as a Variant of Uncertain Significance.